The following is an entry in ClinVar:

ClinVar aggregate classification (germline): Uncertain significance (1 of 4 stars; one submission).

Conditions:
Inborn genetic diseases. Identifiers: MedGen C0950123, MeSH D030342.

Submission:

Ambry Genetics
Classification: Uncertain significance for Inborn genetic diseases. Last evaluated: 2025-10-16. Review status: criteria provided, single submitter. Criteria: Ambry Variant Classification Scheme 2023. Collection method: clinical testing. Allele origin: germline.
Comment: The p.A496T variant (also known as c.1486G>A), located in coding exon 9 of the ERCC6L2 gene, results from a G to A substitution at nucleotide position 1486. The alanine at codon 496 is replaced by threonine, an amino acid with similar properties. This amino acid position is conserved. In addition, this alteration is predicted to be tolerated by in silico analysis. Based on the available evidence, the clinical significance of this variant remains unclear.

NM_020207.7(ERCC6L2):c.1486G>A (p.Ala496Thr)

Gene: ERCC6L2 (ERCC excision repair 6 like 2; plus strand). Cytogenetic location: 9q22.32.
Variant type: single nucleotide variant.
Coding change: c.1486G>A on transcript NM_020207.7 (MANE Select); coding-DNA position 1486, G replaced by A.
Protein change: p.Ala496Thr; replaces alanine 496 with threonine.
Molecular consequence: missense variant. On other transcripts: non-coding transcript variant (1).
Genome position (GRCh38, 1-based): chr9:95,923,332, G>A. VCF-style: chr9-95923332-G-A. GRCh37 (hg19) VCF-style: chr9-98685614-G-A.
Other names: c.1486G>A, p.Ala496Thr (NM_001010895.4, NM_001375291.1, NM_001375292.1 and 2 more transcripts); short protein forms A496T.
Identifiers: ClinVar variation 4618734 (VCV004618734.1).